The following is an entry in ClinVar:

NM_206933.4(USH2A):c.12546T>G (p.Asn4182Lys)

Gene: USH2A (usherin; minus strand). Cytogenetic location: 1q41.
Variant type: single nucleotide variant.
Coding change: c.12546T>G on transcript NM_206933.4 (MANE Select); coding-DNA position 12546, T replaced by G.
Protein change: p.Asn4182Lys; replaces asparagine 4182 with lysine.
Molecular consequence: missense variant.
Genome position (GRCh38, 1-based): chr1:215,675,365, A>C on the plus strand (T>G on the coding strand, the complement: USH2A is on the minus strand). VCF-style: chr1-215675365-A-C. GRCh37 (hg19) VCF-style: chr1-215848707-A-C.
Other names: short protein forms N4182K.
Identifiers: ClinVar variation 1374675 (VCV001374675.5), dbSNP rs1657986831, ClinGen allele CA344850669.

ClinVar aggregate classification (germline): Uncertain significance (1 of 4 stars; one submission).

Allele frequency attached by ClinVar (database versions not stated): gnomAD exomes below 0.00001; TOPMed below 0.00001.
gnomAD v4.1: 4 of 1,614,016 alleles (0.00025%); highest among the groups gnomAD compares: Non-Finnish European, 0.00025%; no homozygotes.

Submission:

Labcorp Genetics (formerly Invitae), Labcorp
Classification: Uncertain significance. Last evaluated: 2022-03-12. Review status: criteria provided, single submitter. Criteria: Invitae Variant Classification Sherloc (09022015). Collection method: clinical testing. Allele origin: germline.
Comment: This sequence change replaces asparagine, which is neutral and polar, with lysine, which is basic and polar, at codon 4182 of the USH2A protein (p.Asn4182Lys). This variant is not present in population databases (gnomAD no frequency). This variant has not been reported in the literature in individuals affected with USH2A-related conditions. Algorithms developed to predict the effect of missense changes on protein structure and function are either unavailable or do not agree on the potential impact of this missense change (SIFT: "Tolerated"; PolyPhen-2: "Possibly Damaging"; Align-GVGD: "Class C0"). Algorithms developed to predict the effect of sequence changes on RNA splicing suggest that this variant may create or strengthen a splice site. In summary, the available evidence is currently insufficient to determine the role of this variant in disease. Therefore, it has been classified as a Variant of Uncertain Significance.